The following is an entry in ClinVar:

ClinVar aggregate classification (germline): Conflicting classifications of pathogenicity. Review status: criteria provided, conflicting classifications (1 of 4 stars). 3 submissions from 3 submitters: Likely pathogenic (2); Uncertain significance (1). Last evaluated 2026-05-26.

Conditions:
Cardiovascular phenotype. Identifiers: MedGen CN230736.
Long QT syndrome (LQTS). Identifiers: MedGen C0023976, MeSH D008133, MONDO:0002442. Disease mechanism: loss of function. Inheritance: Various modes of inheritance.

Submissions (3):

Ambry Genetics
Classification: Likely pathogenic for Cardiovascular phenotype. Last evaluated: 2026-05-26. Review status: criteria provided, single submitter. Criteria: Ambry Variant Classification Scheme 2023. Collection method: clinical testing. Allele origin: germline.
Comment: The p.L262R variant (also known as c.785T>G), located in coding exon 6 of the KCNQ1 gene, results from a T to G substitution at nucleotide position 785. The leucine at codon 262 is replaced by arginine, an amino acid with dissimilar properties. This variant was reported in individual(s) with features consistent with long QT syndrome (Westphal DS et al. Mol Genet Genomic Med, 2020 Sep;8:e1300; Walsh R et al. Genet Med, 2021 Jan;23:47-58). Another variant at the same codon, p.L262P (c.785T>C), has been identified in individual(s) with features consistent with long QT syndrome (Kolokotronis K et al. J Clin Med, 2020 Jul;9:; Schwartz PJ et al. Eur Heart J, 2021 Dec;42:4743-4755; Walsh R et al. Genet Med, 2021 Jan;23:47-58; Nagata Y et al. PLoS One, 2022 Dec;17:e0277242; Ambry internal data). This amino acid position is highly conserved in available vertebrate species. In addition, this alteration is predicted to be deleterious by in silico analysis. This variant is considered to be rare based on population cohorts in the Genome Aggregation Database (gnomAD). Based on the majority of available evidence to date, this variant is likely to be pathogenic.

Labcorp Genetics (formerly Invitae), Labcorp
Classification: Likely pathogenic for Long QT syndrome. Last evaluated: 2025-04-24. Review status: criteria provided, single submitter. Criteria: Invitae Variant Classification Sherloc (09022015). Collection method: clinical testing. Allele origin: germline.
Comment: This sequence change replaces leucine, which is neutral and non-polar, with arginine, which is basic and polar, at codon 262 of the KCNQ1 protein (p.Leu262Arg). This variant is not present in population databases (gnomAD no frequency). This missense change has been observed in individuals with Long QT syndrome (PMID: 32383558; internal data). ClinVar contains an entry for this variant (Variation ID: 1686671). Invitae Evidence Modeling of protein sequence and biophysical properties (such as structural, functional, and spatial information, amino acid conservation, physicochemical variation, residue mobility, and thermodynamic stability) indicates that this missense variant is expected to disrupt KCNQ1 protein function with a positive predictive value of 95%. In summary, the currently available evidence indicates that the variant is pathogenic, but additional data are needed to prove that conclusively. Therefore, this variant has been classified as Likely Pathogenic.

GeneDx
Classification: Uncertain significance. Last evaluated: 2022-04-07. Review status: criteria provided, single submitter. Criteria: GeneDx Variant Classification Process June 2021. Collection method: clinical testing. Allele origin: germline. Affected: yes.
Comment: Not observed at significant frequency in large population cohorts (gnomAD); In silico analysis supports that this missense variant has a deleterious effect on protein structure/function; This variant is associated with the following publications: (PMID: 32015334, 32383558)

Literature cited by the submitters: PubMed 32383558 (cited by Ambry Genetics and Labcorp Genetics (formerly Invitae), Labcorp); PubMed 32893267 (cited by Ambry Genetics).

NM_000218.3(KCNQ1):c.785T>G (p.Leu262Arg)

Gene: KCNQ1 (potassium voltage-gated channel subfamily Q member 1; plus strand). Cytogenetic location: 11p15.5.
Variant type: single nucleotide variant.
Coding change: c.785T>G on transcript NM_000218.3 (MANE Select); coding-DNA position 785, T replaced by G.
Protein change: p.Leu262Arg; replaces leucine 262 with arginine.
Molecular consequence: missense variant.
Genome position (GRCh38, 1-based): chr11:2,572,850, T>G. VCF-style: chr11-2572850-T-G. GRCh37 (hg19) VCF-style: chr11-2594080-T-G.
Other names: c.785T>G, p.Leu262Arg (NM_001406836.1); c.515T>G, p.Leu172Arg (NM_001406837.1); c.404T>G, p.Leu135Arg (NM_181798.2); short protein forms L135R, L262R, L172R.
Identifiers: ClinVar variation 1686671 (VCV001686671.9), dbSNP rs1564821090, ClinGen allele CA379131260.